The following is an entry in ClinVar:

NM_000089.4(COL1A2):c.1316G>A (p.Gly439Asp)

Gene: COL1A2 (collagen type I alpha 2 chain; plus strand). Cytogenetic location: 7q21.3.
Variant type: single nucleotide variant.
Coding change: c.1316G>A on transcript NM_000089.4 (MANE Select); coding-DNA position 1316, G replaced by A.
Protein change: p.Gly439Asp; replaces glycine 439 with aspartic acid.
Molecular consequence: missense variant.
Genome position (GRCh38, 1-based): chr7:94,411,120, G>A. VCF-style: chr7-94411120-G-A. GRCh37 (hg19) VCF-style: chr7-94040432-G-A.
Other names: short protein forms G439D.
Identifiers: ClinVar variation 449350 (VCV000449350.2), dbSNP rs1554396355, ClinGen allele CA368221598.

ClinVar aggregate classification (germline): Pathogenic (1 of 4 stars; one submission).

Submission:

GeneDx
Classification: Pathogenic. Last evaluated: 2017-08-08. Review status: criteria provided, single submitter. Criteria: GeneDx Variant Classification (06012015). Collection method: clinical testing. Allele origin: germline. Affected: yes.
Comment: The G439D missense variant in the COL1A2 gene has been reported previously in a patient with a connective tissue disorder, with joint hypermobility, Wormian bones, streaky lucencies in the long bones and relative macrocephaly ( Reuter et al., 2013). G439D occurs in the triple helical domain and replaces the Glycine in the canonical Gly-X-Y repeat. Variants in these Glycines result in poor winding of the collagen triple helix and a less functional protein. The G439D variant is not observed in large population cohorts (Lek et al., 2016; 1000 Genomes Consortium et al., 2015; Exome Variant Server). The G439D variant is a non-conservative amino acid substitution, which is likely to impact secondary protein structure as these residues differ in polarity, charge, size and/or other properties. In silico analysis predicts this variant is probably damaging to the protein structure/function. Missense variants in nearby Glycine residues (G424S, G427S, G433E, G442E, G445R, G448E) have been reported in the Human Gene Mutation Database in association with osteogenesis imperfecta (Stenson et al., 2014), supporting the functional importance of this region of the protein.